The following is an entry in ClinVar:

NM_000232.5(SGCB):c.341C>T (p.Ser114Phe)

Gene: SGCB (sarcoglycan beta; minus strand). Cytogenetic location: 4q12.
Variant type: single nucleotide variant.
Coding change: c.341C>T on transcript NM_000232.5 (MANE Select); coding-DNA position 341, C replaced by T.
Protein change: p.Ser114Phe; replaces serine 114 with phenylalanine.
Molecular consequence: missense variant.
Genome position (GRCh38, 1-based): chr4:52,029,766, G>A on the plus strand (C>T on the coding strand, the complement: SGCB is on the minus strand). VCF-style: chr4-52029766-G-A. GRCh37 (hg19) VCF-style: chr4-52895932-G-A.
Other names: NM_000232.4(SGCB):c.341C>T(p.Ser114Phe); NM_000232.5(SGCB):c.341C>T.
Identifiers: ClinVar variation 42035 (VCV000042035.73), dbSNP rs150518260, ClinGen allele CA202230.

ClinVar aggregate classification (germline): Pathogenic. Review status: reviewed by expert panel (3 of 4 stars). 21 submissions from 21 submitters: Pathogenic (1). 20 of the submissions do not count toward it. Last evaluated 2026-04-29.

Conditions:
SGCB-related disorder. Also called: SGCB-related condition.
Inborn genetic diseases. Identifiers: MedGen C0950123, MeSH D030342.
Autosomal recessive limb-girdle muscular dystrophy. Identifiers: Orphanet 102015, MedGen C2931907, MONDO:0015152.
Qualitative or quantitative defects of beta-sarcoglycan. Identifiers: Orphanet 207063, MedGen C2930900, MONDO:0016142.
Limb-girdle muscular dystrophy (LGMD). Also called: Muscular Dystrophies, Limb-Girdle. Identifiers: Orphanet 263, MedGen C0686353, MeSH D049288, MONDO:0016971, HP:0006785.
Autosomal recessive limb-girdle muscular dystrophy type 2E (LGMDR4). Also called: MUSCULAR DYSTROPHY, LIMB-GIRDLE, AUTOSOMAL RECESSIVE 4. Identifiers: Orphanet 119, MedGen C1858593, MONDO:0011423, OMIM 604286. Disease mechanism: Affects gamma-sarcoglycan and also disrupts the integrity of the entire sarcoglycan complex..

Allele frequency attached by ClinVar (database versions not stated): ExAC 0.00023; gnomAD exomes 0.00028 and 0.00051; 1000 Genomes Project 30x 0.00016; gnomAD 0.00019; 1000 Genomes Project 0.00020; TOPMed 0.00020; ESP Exome Variant Server 0.00031.
gnomAD v4.1: 756 of 1,613,400 alleles (0.047%); highest among the groups gnomAD compares: Non-Finnish European, 0.061%; no homozygotes.

Submissions 1 to 10 of 21:

ClinGen Limb Girdle Muscular Dystrophy Variant Curation Expert Panel, ClinGen
Classification: Pathogenic for Autosomal recessive limb-girdle muscular dystrophy. Last evaluated: 2026-04-29. Review status: reviewed by expert panel. Criteria: ClinGen LGMD VCEP ACMG Specifications SGCB V2.0.0. Collection method: curation. Allele origin: germline. Inheritance: Autosomal recessive inheritance.
Comment: The NM_000232.5(SGCB): c.341C>T variant in SGCB is a missense variant predicted to cause substitution of serine by phenylalanine at amino acid 114, p.(Ser114Phe). This variant has been detected in at least 29 individuals with limb girdle muscular dystrophy. Of those individuals, five had a likely pathogenic variant in unconfirmed phase (c.31C>T p.(Gln11Ter), 0.25 pts x5, PMIDs: 32875335, 30919934). Another 24 individuals were homozygous for the variant (1 pt, PMIDs: 25862795, 29970176, 25135358, 20071171, 30919934, 18996010, 26404900, 18285821, 9032047, 10942431) (PM3_Strong). The variant has been reported to segregate with autosomal recessive limb-girdle muscular dystrophy in two pairs of affected siblings from two families (PP1_Moderate; PMIDs: 30919934, 20071171). At least one patient homozygous for this variant displayed progressive limb girdle muscle weakness and absent beta-sarcoglycan protein expression, which is highly specific for SGCB-related LGMD (PMID: 10942431; PP4_Moderate) (capped with PP1_Moderate). An in vitro assay in a heterologous cell system has demonstrated that this variant disrupts membrane localization of the sarcoglycan complex (PMID: 37317968; PS3_Moderate). The computational predictor REVEL gives a score of 0.855, which is above the threshold of 0.7, evidence that correlates with impact to SGCB function (PP3). The upper bound of the 95% confidence interval of the Grpmax variant allele frequency in gnomAD v4.1.1 (725/1179486 European (non-Finnish) chromosomes), which is higher than the LGMD VCEP threshold (<0.00009) for PM2_Supporting, and therefore does not meet this criterion. In summary, this variant meets the criteria to be classified as Pathogenic for autosomal recessive limb-girdle muscular dystrophy based on the ACMG/AMP criteria applied, as specified by the ClinGen LGMD VCEP (specifications version v2.0.0; 04/29/2026): PM3_Strong, PS3_Moderate, PP1_Moderate, PP4_Moderate, PP3.

Women's Health and Genetics/Laboratory Corporation of America, LabCorp
Classification: Pathogenic for Autosomal recessive limb-girdle muscular dystrophy. Last evaluated: 2026-01-26. Review status: criteria provided, single submitter. Criteria: LabCorp Variant Classification Summary - May 2015. Collection method: clinical testing. Allele origin: germline. Not counted in ClinVar's aggregate classification.
Comment: Variant summary: SGCB c.341C>T (p.Ser114Phe) results in a non-conservative amino acid change in the encoded protein sequence. Algorithms developed to predict the effect of missense changes on protein structure and function all suggest that this variant is likely to be disruptive. The variant allele was found at a frequency of 0.00028 in 251470 control chromosomes. This frequency is not significantly higher than estimated for disease-causing variants in SGCB, allowing no conclusion about variant significance. c.341C>T has been observed in multiple individuals affected with autosomal recessive Limb-Girdle Muscular Dystrophy (e.g. Semplicini_2015). These data indicate that the variant is very likely to be associated with disease. To our knowledge, no experimental evidence demonstrating an impact on protein function has been reported. The following publication has been ascertained in the context of this evaluation (PMID: 25862795). ClinVar contains an entry for this variant (Variation ID: 42035). Based on the evidence outlined above, the variant was classified as pathogenic.

Natera, Inc.
Classification: Pathogenic for Limb-girdle muscular dystrophy type 2E. Last evaluated: 2026-01-23. Review status: criteria provided, single submitter. Criteria: Natera Variant Classification Schema (03/2026). Collection method: clinical testing. Allele origin: germline. Not counted in ClinVar's aggregate classification.
Comment: The c.341C>T variant in SGCB is a missense variant predicted to cause substitution of serine to phenylalanine at amino acid 114. This variant is rare in the general population with a frequency below the threshold expected for the associated phenotype(s). This variant has been observed in one or more individuals affected with the associated recessive disease, as either homozygous or compound heterozygous with a second variant (PMID: 26404900, 25862795, 18996010). Computational prediction algorithms indicate this variant is likely to affect gene or protein function. Given the available evidence, this variant is classified as Pathogenic.

Labcorp Genetics (formerly Invitae), Labcorp
Classification: Pathogenic for Autosomal recessive limb-girdle muscular dystrophy type 2E. Last evaluated: 2025-12-21. Review status: criteria provided, single submitter. Criteria: Invitae Variant Classification Sherloc (09022015). Collection method: clinical testing. Allele origin: germline. Not counted in ClinVar's aggregate classification.
Comment: This sequence change replaces serine, which is neutral and polar, with phenylalanine, which is neutral and non-polar, at codon 114 of the SGCB protein (p.Ser114Phe). This variant is present in population databases (rs150518260, gnomAD 0.05%). This missense change has been observed in individuals with limb-girdle muscular dystrophy (PMID: 9032047, 10942431, 18285821, 20071171, 23349452, 25135358, 25862795, 26404900). It has also been observed to segregate with disease in related individuals. ClinVar contains an entry for this variant (Variation ID: 42035). Invitae Evidence Modeling of protein sequence and biophysical properties (such as structural, functional, and spatial information, amino acid conservation, physicochemical variation, residue mobility, and thermodynamic stability) indicates that this missense variant is not expected to disrupt SGCB protein function with a negative predictive value of 80%. Experimental studies have shown that this missense change affects SGCB function (PMID: 22095924). For these reasons, this variant has been classified as Pathogenic.

PreventionGenetics, part of Exact Sciences
Classification: Pathogenic for SGCB-related condition. Last evaluated: 2025-11-22. Review status: criteria provided, single submitter. Criteria: ACMG Guidelines, 2015. Collection method: clinical testing. Allele origin: germline. Not counted in ClinVar's aggregate classification.
Comment: The SGCB c.341C>T variant is predicted to result in the amino acid substitution p.Ser114Phe. This variant has previously been reported in many unrelated individuals to be causative for limb-girdle muscular dystrophy type 2E (LGMD2E) (see for example: Duggan et al. 1997. PubMed ID: 9032047; Klinge et al. 2008. PubMed ID: 18996010, Trabelsi et al. 2008. PubMed ID: 18285821; Soheili et al. 2012. PubMed ID: 22095924). This variant is reported in 0.053% of alleles in individuals of European (Non-Finnish) descent in gnomAD. This variant is interpreted as pathogenic.

Blueprint Genetics
Classification: Pathogenic for SGCB-related disorders. Last evaluated: 2024-11-26. Review status: criteria provided, single submitter. Criteria: ACMG Guidelines, 2015. Collection method: clinical testing. Allele origin: germline. Affected: yes. Observed: 5 variant alleles. Not counted in ClinVar's aggregate classification.

Revvity Omics, Revvity
Classification: Pathogenic for Autosomal recessive limb-girdle muscular dystrophy type 2E. Last evaluated: 2024-10-29. Review status: criteria provided, single submitter. Criteria: ACMG Guidelines, 2015. Collection method: clinical testing. Allele origin: germline. Not counted in ClinVar's aggregate classification.

CeGaT Center for Human Genetics Tuebingen
Classification: Pathogenic. Last evaluated: 2024-05-01. Review status: criteria provided, single submitter. Criteria: CeGaT Center For Human Genetics Tuebingen Variant Classification Criteria Version 2. Collection method: clinical testing. Allele origin: germline. Affected: yes. Observed: 2 variant alleles. Not counted in ClinVar's aggregate classification.
Comment: SGCB: PM3:Very Strong, PM2, PP3, PS3:Supporting

Fulgent Genetics
Classification: Pathogenic for Autosomal recessive limb-girdle muscular dystrophy type 2E. Last evaluated: 2024-04-12. Review status: criteria provided, single submitter. Criteria: ACMG Guidelines, 2015. Collection method: clinical testing. Allele origin: germline. Not counted in ClinVar's aggregate classification.

GeneDx
Classification: Pathogenic. Last evaluated: 2022-02-18. Review status: criteria provided, single submitter. Criteria: GeneDx Variant Classification Process June 2021. Collection method: clinical testing. Allele origin: germline. Affected: yes. Not counted in ClinVar's aggregate classification.
Comment: Published functional studies indicate S114F results in defective intracellular trafficking of sarcoglycan proteins (Sohelli et al., 2012); Missense variants in this gene are often considered pathogenic (HGMD); In silico analysis supports that this missense variant has a deleterious effect on protein structure/function; This variant is associated with the following publications: (PMID: 23349452, 17994539, 10942431, 20071171, 18996010, 27447704, 26990548, 22095924, 15032976, 10993494, 18285821, 30564623, 30919934, 9032047, 31980526, 31589614, 32528171, 33726816, 8968749)